The following is an entry in ClinVar:

ClinVar aggregate classification (germline): Uncertain significance. Review status: criteria provided, multiple submitters, no conflicts (2 of 4 stars). 3 submissions from 3 submitters: Uncertain significance (3). Last evaluated 2026-09-23.

Conditions:
LAMP2-related disorder. Also called: LAMP2-related condition.
Danon disease. Also called: Glycogen Storage Disease Type IIb; PSEUDOGLYCOGENOSIS II; GSD IIb; LYSOSOMAL GLYCOGEN STORAGE DISEASE WITHOUT ACID MALTASE DEFICIENCY; ANTOPOL DISEASE. Identifiers: Orphanet 34587, MedGen C0878677, MONDO:0010281, OMIM 300257.

gnomAD v4.1: 5 of 1,208,421 alleles (0.00041%); highest among the groups gnomAD compares: African/African-American, 0.007%; no homozygotes.

Submissions (3):

PreventionGenetics, part of Exact Sciences
Classification: Uncertain significance for LAMP2-related condition. Last evaluated: 2026-09-23. Review status: criteria provided, single submitter. Criteria: ACMG Guidelines, 2015. Collection method: clinical testing. Allele origin: germline.
Comment: The LAMP2 c.316G>T variant is predicted to result in the amino acid substitution p.Ala106Ser. To our knowledge, this variant has not been reported in the literature. This variant is reported in 0.017% of alleles in individuals of African descent in gnomAD. At this time, the clinical significance of this variant is uncertain due to the absence of conclusive functional and genetic evidence.

Labcorp Genetics (formerly Invitae), Labcorp
Classification: Uncertain significance for Danon disease. Last evaluated: 2025-06-18. Review status: criteria provided, single submitter. Criteria: Invitae Variant Classification Sherloc (09022015). Collection method: clinical testing. Allele origin: germline.
Comment: This sequence change replaces alanine, which is neutral and non-polar, with serine, which is neutral and polar, at codon 106 of the LAMP2 protein (p.Ala106Ser). The frequency data for this variant in the population databases is considered unreliable, as metrics indicate poor data quality at this position in the gnomAD database. This variant has not been reported in the literature in individuals affected with LAMP2-related conditions. ClinVar contains an entry for this variant (Variation ID: 1354688). Invitae Evidence Modeling of protein sequence and biophysical properties (such as structural, functional, and spatial information, amino acid conservation, physicochemical variation, residue mobility, and thermodynamic stability) indicates that this missense variant is not expected to disrupt LAMP2 protein function with a negative predictive value of 80%. In summary, the available evidence is currently insufficient to determine the role of this variant in disease. Therefore, it has been classified as a Variant of Uncertain Significance.

GeneDx
Classification: Uncertain significance. Last evaluated: 2022-10-25. Review status: criteria provided, single submitter. Criteria: GeneDx Variant Classification Process June 2021. Collection method: clinical testing. Allele origin: germline. Affected: yes.
Comment: In silico analysis supports that this missense variant does not alter protein structure/function; Has not been previously published as pathogenic or benign to our knowledge

NM_002294.3(LAMP2):c.316G>T (p.Ala106Ser)

Gene: LAMP2 (lysosome associated membrane protein 2; minus strand). Cytogenetic location: Xq24.
Variant type: single nucleotide variant.
Coding change: c.316G>T on transcript NM_002294.3 (MANE Select); coding-DNA position 316, G replaced by T.
Protein change: p.Ala106Ser; replaces alanine 106 with serine.
Molecular consequence: missense variant.
Genome position (GRCh38, 1-based): chrX:120,455,438, C>A on the plus strand (G>T on the coding strand, the complement: LAMP2 is on the minus strand). VCF-style: chrX-120455438-C-A. GRCh37 (hg19) VCF-style: chrX-119589293-C-A.
Other names: c.316G>T (NM_002294.2); c.316G>T, p.Ala106Ser (NM_001122606.1, NM_013995.2); short protein forms A106S.
Identifiers: ClinVar variation 1354688 (VCV001354688.8), dbSNP rs1305798857, ClinGen allele CA414403036.